The following is an entry in ClinVar:

ClinVar aggregate classification (germline): Uncertain significance (1 of 4 stars; one submission).

gnomAD v4.1: 1 of 1,613,296 alleles (0.000062%); highest among the groups gnomAD compares: Non-Finnish European, 0.000085%; no homozygotes.

Submission:

Women's Health and Genetics/Laboratory Corporation of America, LabCorp
Classification: Uncertain significance. Last evaluated: 2025-07-22. Review status: criteria provided, single submitter. Criteria: LabCorp Variant Classification Summary - May 2015. Collection method: clinical testing. Allele origin: germline.
Comment: Variant summary: COL27A1 c.2017G>C (p.Gly673Arg) results in a non-conservative amino acid change in the encoded protein sequence. Algorithms developed to predict the effect of missense changes on protein structure and function all suggest that this variant is likely to be disruptive. Several computational tools predict a significant impact on normal splicing: Three predict the variant weakens a 3' acceptor site. One predict the variant no significant impact on splicing. However, these predictions have yet to be confirmed by functional studies. The variant allele was found at a frequency of 4e-06 in 250532 control chromosomes. The available data on variant occurrences in the general population are insufficient to allow any conclusion about variant significance. To our knowledge, no occurrence of c.2017G>C in individuals affected with Steel syndrome and no experimental evidence demonstrating its impact on protein function have been reported. No submitters have cited clinical-significance assessments for this variant to ClinVar. Based on the evidence outlined above, the variant was classified as uncertain significance.

NM_032888.4(COL27A1):c.2017G>C (p.Gly673Arg)

Gene: COL27A1 (collagen type XXVII alpha 1 chain; plus strand). Cytogenetic location: 9q32.
Variant type: single nucleotide variant.
Coding change: c.2017G>C on transcript NM_032888.4 (MANE Select); coding-DNA position 2017, G replaced by C.
Protein change: p.Gly673Arg; replaces glycine 673 with arginine.
Molecular consequence: missense variant.
Genome position (GRCh38, 1-based): chr9:114,194,404, G>C. VCF-style: chr9-114194404-G-C. GRCh37 (hg19) VCF-style: chr9-116956684-G-C.
Other names: short protein forms G673R.
Identifiers: ClinVar variation 4525697 (VCV004525697.1).